The following is an entry in ClinVar:

ClinVar aggregate classification (germline): Likely benign. Review status: criteria provided, multiple submitters, no conflicts (2 of 4 stars). 2 submissions from 2 submitters: Likely benign (2). Last evaluated 2024-09-01.

gnomAD v4.1: 42 of 1,437,610 alleles (0.0029%); highest among the groups gnomAD compares: Non-Finnish European, 0.0037%; no homozygotes.

Submissions (2):

CeGaT Center for Human Genetics Tuebingen
Classification: Likely benign. Last evaluated: 2024-09-01. Review status: criteria provided, single submitter. Criteria: CeGaT Center For Human Genetics Tuebingen Variant Classification Criteria Version 2. Collection method: clinical testing. Allele origin: germline. Affected: yes. Observed: 1 variant allele.
Comment: PURA: BP4, BP7

Blueprint Genetics
Classification: Likely benign. Last evaluated: 2021-09-22. Review status: criteria provided, single submitter. Criteria: ACMG Guidelines, 2015. Collection method: clinical testing. Allele origin: germline.

NM_005859.5(PURA):c.153A>T (p.Pro51=)

Gene: PURA (purine rich element binding protein A; plus strand). Cytogenetic location: 5q31.3.
Variant type: single nucleotide variant.
Coding change: c.153A>T on transcript NM_005859.5 (MANE Select); coding-DNA position 153, A replaced by T.
Protein change: p.Pro51=; no amino-acid change (proline 51 retained).
Molecular consequence: synonymous variant.
Genome position (GRCh38, 1-based): chr5:140,114,334, A>T. VCF-style: chr5-140114334-A-T. GRCh37 (hg19) VCF-style: chr5-139493919-A-T.
Identifiers: ClinVar variation 3389333 (VCV003389333.15).